The following is an entry in ClinVar:

ClinVar aggregate classification (germline): Benign (1 of 4 stars; one submission).

Allele frequency attached by ClinVar (database versions not stated): gnomAD 0.00015 and 0.00013; TOPMed 0.00018; gnomAD exomes 0.00011.
gnomAD v4.1: 528 of 1,560,742 alleles (0.034%); highest among the groups gnomAD compares: Non-Finnish European, 0.042%; no homozygotes.

Submission:

GeneDx
Classification: Benign. Last evaluated: 2015-04-13. Review status: criteria provided, single submitter. Criteria: GeneDx Variant Classification (06012015). Collection method: clinical testing. Allele origin: germline. Affected: yes.
Comment: This variant is considered likely benign or benign based on one or more of the following criteria: it is a conservative change, it occurs at a poorly conserved position in the protein, it is predicted to be benign by multiple in silico algorithms, and/or has population frequency not consistent with disease.

NM_017775.3(TTC19):c.-178C>T

Genes: TTC19 (tetratricopeptide repeat domain 19; plus strand), ZSWIM7 (zinc finger SWIM-type containing 7; minus strand). Cytogenetic location: 17p12.
Variant type: single nucleotide variant.
Coding change: c.-178C>T on transcript NM_017775.3; 178 bases upstream of the start codon, C replaced by T.
Molecular consequence: 5 prime UTR variant (on NM_001042697.2).
Genome position (GRCh38, 1-based): chr17:15,999,671, C>T. VCF-style: chr17-15999671-C-T. GRCh37 (hg19) VCF-style: chr17-15902985-C-T.
Other names: c.-77G>A (NM_001042697.2, NM_001042698.2).
Identifiers: ClinVar variation 321937 (VCV000321937.7), dbSNP rs753100200, ClinGen allele CA8407187.